The following is an entry in ClinVar:

ClinVar aggregate classification (germline): Pathogenic/Likely pathogenic. Review status: criteria provided, multiple submitters, no conflicts (2 of 4 stars). 9 submissions from 9 submitters: Pathogenic (7); Likely pathogenic (1). 1 of the submissions does not count toward it. Last evaluated 2025-10-19.

Conditions:
Glycogen storage disease type III (GSD3). Also called: Cori disease; FORBES DISEASE. Identifiers: Orphanet 366, MedGen C0017922, MONDO:0009291, OMIM 232400.

Submissions (9):

Labcorp Genetics (formerly Invitae), Labcorp
Classification: Pathogenic for Glycogen storage disease type III. Last evaluated: 2025-10-19. Review status: criteria provided, single submitter. Criteria: Invitae Variant Classification Sherloc (09022015). Collection method: clinical testing. Allele origin: germline.
Comment: This sequence change creates a premature translational stop signal (p.Asn1304Lysfs*7) in the AGL gene. It is expected to result in an absent or disrupted protein product. Loss-of-function variants in AGL are known to be pathogenic (PMID: 19299494). The frequency data for this variant in the population databases is considered unreliable, as metrics indicate poor data quality at this position in the gnomAD database. This premature translational stop signal has been observed in individuals with glycogen storage disease type III (PMID: 9584265, 23430832; internal data). It has also been observed to segregate with disease in related individuals. This variant is also known as c.3904insA. ClinVar contains an entry for this variant (Variation ID: 370832). For these reasons, this variant has been classified as Pathogenic.

Natera, Inc.
Classification: Pathogenic for Glycogen storage disease type III. Last evaluated: 2025-08-22. Review status: criteria provided, single submitter. Criteria: Natera Variant Classification Schema (03/2026). Collection method: clinical testing. Allele origin: germline.
Comment: The c.3911dupA variant in AGL is a frameshift variant predicted to shift the reading frame beginning at codon 1304 and leads to a stop codon 7 codons downstream. This variant is expected to result in nonsense mediated decay, truncation, or a dysfunctional protein product. This variant is rare in the general population with a frequency below the threshold expected for the associated phenotype(s). This variant has been observed in one or more individuals affected with the associated recessive disease, as either homozygous or compound heterozygous with a second variant (PMID: 9584265, 35834487). Given the available evidence, this variant is classified as Pathogenic.

Baylor Genetics
Classification: Pathogenic for Glycogen storage disease type III. Last evaluated: 2024-03-27. Review status: criteria provided, single submitter. Criteria: ACMG Guidelines, 2015. Collection method: clinical testing. Allele origin: unknown.

Revvity Omics, Revvity
Classification: Pathogenic for Glycogen storage disease type III. Last evaluated: 2023-04-28. Review status: criteria provided, single submitter. Criteria: ACMG Guidelines, 2015. Collection method: clinical testing. Allele origin: germline.

Fulgent Genetics
Classification: Pathogenic for Glycogen storage disease type III. Last evaluated: 2021-10-18. Review status: criteria provided, single submitter. Criteria: ACMG Guidelines, 2015. Collection method: clinical testing. Allele origin: unknown.

Genome-Nilou Lab
Classification: Pathogenic for Glycogen storage disease type III. Last evaluated: 2021-07-15. Review status: criteria provided, single submitter. Criteria: ACMG Guidelines, 2015. Collection method: clinical testing. Allele origin: germline. Affected: no.

Women's Health and Genetics/Laboratory Corporation of America, LabCorp
Classification: Pathogenic for Glycogen storage disease type III. Last evaluated: 2020-09-21. Review status: criteria provided, single submitter. Criteria: LabCorp Variant Classification Summary - May 2015. Collection method: clinical testing. Allele origin: germline.
Comment: Variant summary: AGL c.3911dupA (p.Asn1304LysfsX7) results in a premature termination codon, predicted to cause a truncation of the encoded protein or absence of the protein due to nonsense mediated decay, which are commonly known mechanisms for disease. Truncations downstream of this position have been classified as pathogenic by our laboratory. The variant allele was found at a frequency of 4e-05 in 249526 control chromosomes (gnomAD). This frequency is not higher than expected for a pathogenic variant in AGL causing Glycogen Storage Disease Type III (4e-05 vs 0.0023), allowing no conclusion about variant significance. c.3911dupA (also known as c.3904insA) has been reported in the literature, in the compound heterozygous and homozygous state, in multiple individuals affected with Glycogen Storage Disease Type III (e.g. Parvari_1997, Lee_2011). These data indicate that the variant is very likely to be associated with disease. Experimental evidence demonstrated very low enzymatic activity and glycogen accumulation in the liver, in homozygous patients (Lee_2011, Ponzi_2019). Two ClinVar submitters (evaluation after 2014) cite the variant as pathogenic/likely pathogenic. Based on the evidence outlined above, the variant was classified as pathogenic.

Centre for Human Genetics
Classification: Likely pathogenic for Glycogen storage disease type III. Last evaluated: 2020-08-27. Review status: criteria provided, single submitter. Criteria: ACMG Guidelines, 2015. Collection method: clinical testing. Allele origin: inherited. Inheritance: Autosomal recessive inheritance. Affected: yes. Observed: 1 variant allele.
Comment: disease causing

Counsyl
Classification: Likely pathogenic for Glycogen storage disease type III. Last evaluated: 2016-04-21. Review status: no assertion criteria provided. Collection method: clinical testing. Allele origin: unknown. Not counted in ClinVar's aggregate classification.

Literature cited by the submitters: PubMed 19299494 (cited by Labcorp Genetics (formerly Invitae), Labcorp); PubMed 9584265 (cited by 4 submitters); PubMed 23430832 (cited by 3 submitters); PubMed 35834487 (cited by Natera, Inc.); PubMed 12955720 (cited by Women's Health and Genetics/Laboratory Corporation of America, LabCorp and Counsyl); PubMed 30916492 (cited by Women's Health and Genetics/Laboratory Corporation of America, LabCorp).

NM_000642.3(AGL):c.3911dup (p.Asn1304fs)

Gene: AGL (amylo-alpha-1,6-glucosidase and 4-alpha-glucanotransferase; plus strand). Cytogenetic location: 1p21.2.
Variant type: Duplication.
Coding change: c.3911dup on transcript NM_000642.3 (MANE Select); coding-DNA position 3911, one base duplicated (A; older notation c.3911dupA).
Protein change: p.Asn1304fs; shifts the reading frame from asparagine 1304.
Molecular consequence: frameshift variant.
Genome position (GRCh38, 1-based): chr1:99,912,479, A duplicated; the last of 8 consecutive A bases (chr1:99,912,472-99,912,479); duplicating any one gives the same sequence. VCF-style (leftmost placement, unchanged base first): chr1-99912471-C-CA. GRCh37 (hg19) VCF-style: chr1-100378027-C-CA.
Other names: c.3707dup, p.Asn1236Lysfs (NM_001425328.1); c.3572dup, p.Asn1191Lysfs (NM_001425329.1); c.3710dup, p.Asn1237Lysfs (NM_001425327.1); c.3911dup, p.Asn1304Lysfs (NM_000644.3, NM_001425325.1, NM_000028.3 and 1 more transcripts); c.3863dup, p.Asn1288Lysfs (NM_000646.3); c.3890dup, p.Asn1297Lysfs (NM_001425326.1); c.3533dup, p.Asn1178Lysfs (NM_001425332.1); c.3911dup (NM_000642.2); and 2 more; short protein forms N1304fs, N1288fs.
Identifiers: ClinVar variation 370832 (VCV000370832.24), dbSNP rs745757264, ClinGen allele CA967260.